The following is an entry in ClinVar:

ClinVar aggregate classification (germline): Benign/Likely benign. Review status: criteria provided, multiple submitters, no conflicts (2 of 4 stars). 3 submissions from 3 submitters: Benign (1); Likely benign (1). 1 of the submissions does not count toward it. Last evaluated 2025-10-02.

Allele frequency attached by ClinVar (database versions not stated): gnomAD 0.00019 and 0.00001; gnomAD exomes 0.00035 and 0.00068; ExAC 0.00078; 1000 Genomes Project 30x 0.00109; 1000 Genomes Project 0.00120; TOPMed 0.00007.
gnomAD v4.1: 531 of 1,613,342 alleles (0.033%); highest among the groups gnomAD compares: South Asian, 0.54%; 3 homozygotes.

Submissions (3):

Labcorp Genetics (formerly Invitae), Labcorp
Classification: Benign. Last evaluated: 2025-10-02. Review status: criteria provided, single submitter. Criteria: Invitae Variant Classification Sherloc (09022015). Collection method: clinical testing. Allele origin: germline.

Blueprint Genetics
Classification: Likely benign. Last evaluated: 2024-07-26. Review status: criteria provided, single submitter. Criteria: ACMG Guidelines, 2015. Collection method: clinical testing. Allele origin: germline.

ITMI
No classification provided. Condition: AllHighlyPenetrant. Last evaluated: 2013-09-19. Review status: no classification provided. Collection method: reference population. Allele origin: germline. Not counted in ClinVar's aggregate classification.
Comment: Please see associated publication for description of ethnicities

Literature cited by the submitters: PubMed 24728327 (cited by ITMI).

NM_005157.6(ABL1):c.2882C>T (p.Pro961Leu)

Gene: ABL1 (ABL proto-oncogene 1, non-receptor tyrosine kinase; plus strand). Cytogenetic location: 9q34.12.
Variant type: single nucleotide variant.
Coding change: c.2882C>T on transcript NM_005157.6 (MANE Select); coding-DNA position 2882, C replaced by T.
Protein change: p.Pro961Leu; replaces proline 961 with leucine.
Molecular consequence: missense variant.
Genome position (GRCh38, 1-based): chr9:130,885,172, C>T. VCF-style: chr9-130885172-C-T. GRCh37 (hg19) VCF-style: chr9-133760559-C-T.
Other names: c.2939C>T, p.Pro980Leu (NM_007313.3); short protein forms P961L, P980L.
Identifiers: ClinVar variation 133442 (VCV000133442.7), dbSNP rs557879885, ClinGen allele CA156536.
Genomic context (GRCh38, chr9:130,885,172, plus strand): 5'-TGAACAGTGACGCTGCCAAGCCCAGCCAGCCGGGAGAGGGCCTCAAAAAGCCCGTGCTCC[C>T]GGCCACTCCAAAGCCACAGTCCGCCAAGCCGTCGGGGACCCCCATCAGCCCAGCCCCCGT-3'
Protein context (NP_005148.2, residues 951-971): PGEGLKKPVL[Pro961Leu]ATPKPQSAKP